The following is an entry in ClinVar:

ClinVar aggregate classification (germline): Likely pathogenic (1 of 4 stars; one submission).

Conditions:
Aortic aneurysm, familial thoracic 4 (AAT4). Also called: AORTIC ANEURYSM/AORTIC DISSECTION AND PATENT DUCTUS ARTERIOSUS. Identifiers: MedGen C1851504, MONDO:0007568, OMIM 132900.

Submission:

Labcorp Genetics (formerly Invitae), Labcorp
Classification: Likely pathogenic for Aortic aneurysm, familial thoracic 4. Last evaluated: 2023-04-23. Review status: criteria provided, single submitter. Criteria: Invitae Variant Classification Sherloc (09022015). Collection method: clinical testing. Allele origin: germline.
Comment: Algorithms developed to predict the effect of sequence changes on RNA splicing suggest that this variant may disrupt the consensus splice site. In summary, the currently available evidence indicates that the variant is pathogenic, but additional data are needed to prove that conclusively. Therefore, this variant has been classified as Likely Pathogenic. This variant has not been reported in the literature in individuals affected with MYH11-related conditions. This sequence change affects a donor splice site in intron 30 of the MYH11 gene. It is expected to disrupt RNA splicing. Variants that disrupt the donor or acceptor splice site typically lead to a loss of protein function (PMID: 16199547), and loss-of-function variants in MYH11 are known to be pathogenic (PMID: 25407000, 29575632). This variant is not present in population databases (gnomAD no frequency).

Literature cited by the submitters: PubMed 16199547; PubMed 25407000; PubMed 29575632.

NM_002474.3(MYH11):c.3963+1G>T

Genes: NDE1 (nudE neurodevelopment protein 1; plus strand), MYH11 (myosin heavy chain 11; minus strand). Cytogenetic location: 16p13.11.
Variant type: single nucleotide variant.
Coding change: c.3963+1G>T on transcript NM_002474.3 (MANE Select); the canonical splice donor site of the intron after coding-DNA position 3963, G replaced by T.
Molecular consequence: splice donor variant. On other transcripts: 3 prime UTR variant (2).
Genome position (GRCh38, 1-based): chr16:15,724,887, C>A on the plus strand (G>T on the coding strand, the complement: MYH11 is on the minus strand). VCF-style: chr16-15724887-C-A. GRCh37 (hg19) VCF-style: chr16-15818744-C-A.
Other names: c.*636C>A (NM_001143979.2, NM_017668.3); c.3963+1G>T (NM_022844.3); c.3984+1G>T (NM_001040114.2, NM_001040113.2).
Identifiers: ClinVar variation 2858526 (VCV002858526.3), dbSNP rs2151219802, ClinGen allele CA394858756.